The following is an entry in ClinVar:

NM_001080517.3(SETD5):c.2954A>G (p.Tyr985Cys)

Gene: SETD5 (SET domain containing 5; plus strand). Cytogenetic location: 3p25.3.
Variant type: single nucleotide variant.
Coding change: c.2954A>G on transcript NM_001080517.3 (MANE Select); coding-DNA position 2954, A replaced by G.
Protein change: p.Tyr985Cys; replaces tyrosine 985 with cysteine.
Molecular consequence: missense variant.
Genome position (GRCh38, 1-based): chr3:9,470,688, A>G. VCF-style: chr3-9470688-A-G. GRCh37 (hg19) VCF-style: chr3-9512372-A-G.
Other names: c.2660A>G, p.Tyr887Cys (NM_001292043.2, NM_001349451.2); short protein forms Y887C, Y985C.
Identifiers: ClinVar variation 3372003 (VCV003372003.2).
Genomic context (GRCh38, chr3:9,470,688, plus strand): 5'-GACATCAGACCCTCGTGAGAAACTCAGACCAGGCATTTCGGACAGAGTTCAACTTGATGT[A>G]TGCCTACTCCCCTTTGAATGCTATGCCTCGAGCAGATGGACTGTATCGAGGATCTCCTCT-3'
Protein context (NP_001073986.1, residues 975-995): QAFRTEFNLM[Tyr985Cys]AYSPLNAMPR

ClinVar aggregate classification (germline): Uncertain significance (1 of 4 stars; one submission).

Submission:

GeneDx
Classification: Uncertain significance. Last evaluated: 2026-08-13. Review status: criteria provided, single submitter. Criteria: GeneDx Variant Classification Process June 2021. Collection method: clinical testing. Allele origin: germline.
Comment: Not observed at significant frequency in large population cohorts (gnomAD); In silico analysis suggests that this missense variant does not alter protein structure/function; Has not been previously published as pathogenic or benign to our knowledge